The following is an entry in ClinVar:

ClinVar aggregate classification (germline): Likely benign. Review status: criteria provided, single submitter (1 of 4 stars). 2 submissions from 2 submitters: Likely benign (1). 1 of the submissions does not count toward it. Last evaluated 2023-06-02.

Conditions:
ZFHX3-related disorder. Also called: ZFHX3-related condition.

Allele frequency attached by ClinVar (database versions not stated): gnomAD exomes 0.00011; ExAC 0.00030; 1000 Genomes Project 30x 0.00031; 1000 Genomes Project 0.00040.
gnomAD v4.1: 170 of 1,609,534 alleles (0.011%); highest among the groups gnomAD compares: South Asian, 0.16%; 1 homozygote.

Submissions (2):

Blueprint Genetics
Classification: Likely benign. Last evaluated: 2023-06-02. Review status: criteria provided, single submitter. Criteria: ACMG Guidelines, 2015. Collection method: clinical testing. Allele origin: germline.

PreventionGenetics, part of Exact Sciences
Classification: Likely benign for ZFHX3-related condition. Last evaluated: 2019-07-10. Review status: no assertion criteria provided. Collection method: clinical testing. Allele origin: germline. Not counted in ClinVar's aggregate classification.
Comment: This variant is classified as likely benign based on ACMG/AMP sequence variant interpretation guidelines (Richards et al. 2015 PMID: 25741868, with internal and published modifications).

NM_006885.4(ZFHX3):c.54C>T (p.Ile18=)

Gene: ZFHX3 (zinc finger homeobox 3; minus strand). Cytogenetic location: 16q22.3.
Variant type: single nucleotide variant.
Coding change: c.54C>T on transcript NM_006885.4 (MANE Select); coding-DNA position 54, C replaced by T.
Protein change: p.Ile18=; no amino-acid change (isoleucine 18 retained).
Molecular consequence: synonymous variant. On other transcripts: intron variant (1).
Genome position (GRCh38, 1-based): chr16:72,960,092, G>A on the plus strand (C>T on the coding strand, the complement: ZFHX3 is on the minus strand). VCF-style: chr16-72960092-G-A. GRCh37 (hg19) VCF-style: chr16-72993991-G-A.
Other names: c.54C>T, p.Ile18= (NM_001386735.1); c.-23-9127C>T (NM_001164766.2).
Identifiers: ClinVar variation 3050651 (VCV003050651.3), dbSNP rs552696439, ClinGen allele CA8165125.
Genomic context (GRCh38, chr16:72,960,092, plus strand): 5'-GCTACTGGGTTTGTCAGGGAGGTGGGTGCTGTTGAGTTCAGTCCATTGCTGGTGCTGAGG[G>A]ATACCGCACCCATTGTCCTTCCCCGAGACGACGGGCGAGTCACAGCCTTCCATGGTAAGG-3'
Protein context (NP_008816.3, residues 8-28): VVSGKDNGCG[Ile18=]PQHQQWTELN